The following is an entry in ClinVar:

NM_018972.4(GDAP1):c.399G>A (p.Met133Ile)

Gene: GDAP1 (ganglioside induced differentiation associated protein 1; plus strand). Cytogenetic location: 8q21.11.
Variant type: single nucleotide variant.
Coding change: c.399G>A on transcript NM_018972.4 (MANE Select); coding-DNA position 399, G replaced by A.
Protein change: p.Met133Ile; replaces methionine 133 with isoleucine.
Molecular consequence: missense variant. On other transcripts: intron variant (1).
Genome position (GRCh38, 1-based): chr8:74,360,225, G>A. VCF-style: chr8-74360225-G-A. GRCh37 (hg19) VCF-style: chr8-75272460-G-A.
Other names: c.195G>A, p.Met65Ile (NM_001040875.4); c.72G>A, p.Met24Ile (NM_001362929.2, NM_001362932.2); c.399G>A, p.Met133Ile (NM_001362931.2); c.311-1659G>A (NM_001362930.2); short protein forms M133I, M24I, M65I.
Identifiers: ClinVar variation 245607 (VCV000245607.23), dbSNP rs139808557, ClinGen allele CA4785095.
Genomic context (GRCh38, chr8:74,360,225, plus strand): 5'-AGAAAGCATGTATTACCCACGGGTACAACATTACCGAGAGCTGCTTGACTCCTTGCCAAT[G>A]GATGCCTATACACATGGCTGCATTTTACATCCTGAGTTAACTGTGGACTCCATGATCCCG-3'
Protein context (NP_061845.2, residues 123-143): HYRELLDSLP[Met133Ile]DAYTHGCILH

ClinVar aggregate classification (germline): Conflicting classifications of pathogenicity. Review status: criteria provided, conflicting classifications (1 of 4 stars). 8 submissions from 8 submitters: Pathogenic (1); Likely pathogenic (3); Uncertain significance (4). Last evaluated 2026-06-23.

Conditions:
GDAP1-related disorder. Also called: GDAP1-related disorders; GDAP1-related condition.
Inborn genetic diseases. Identifiers: MedGen C0950123, MeSH D030342.
Charcot-Marie-Tooth disease, axonal, with vocal cord paresis, autosomal recessive. Also called: CHARCOT-MARIE-TOOTH DISEASE, TYPE 4A, AXONAL FORM; CHARCOT-MARIE-TOOTH NEUROPATHY, AXONAL, WITH VOCAL CORD PARESIS, AUTOSOMAL RECESSIVE; CMT2 WITH VOCAL CORD PARESIS, AUTOSOMAL RECESSIVE. Identifiers: Orphanet 101097, MedGen C1843183, MONDO:0011898, OMIM 607706.
Charcot-Marie-Tooth disease recessive intermediate A (CMTRIA). Also called: CHARCOT-MARIE-TOOTH NEUROPATHY, RECESSIVE INTERMEDIATE A. Identifiers: Orphanet 217055, MedGen C1842197, MONDO:0012014, OMIM 608340.
Charcot-Marie-Tooth disease axonal type 2K (CMT2K). Also called: CHARCOT-MARIE-TOOTH DISEASE, AXONAL, AUTOSOMAL RECESSIVE, TYPE 2K; CHARCOT-MARIE-TOOTH NEUROPATHY, AXONAL, TYPE 2K; Charcot-Marie-Tooth disease type 2K. Identifiers: Orphanet 101097, Orphanet 99944, MedGen C1842983, MONDO:0011916, OMIM 607831.
Charcot-Marie-Tooth disease type 4A. Also called: Charcot-Marie-Tooth disease, demyelinating, autosomal recessive, type 4a. Identifiers: Orphanet 99948, MedGen C1859198, MONDO:0008961, OMIM 214400.

Allele frequency attached by ClinVar (database versions not stated): ExAC 0.00007; ESP Exome Variant Server 0.00008; gnomAD exomes 0.00011 and 0.00037; gnomAD 0.00016 and 0.00017; TOPMed 0.00017.

Submissions (8):

PreventionGenetics, part of Exact Sciences
Classification: Uncertain significance for GDAP1-related condition. Last evaluated: 2026-06-23. Review status: criteria provided, single submitter. Criteria: ACMG Guidelines, 2015. Collection method: clinical testing. Allele origin: germline.
Comment: The GDAP1 c.399G>A variant is predicted to result in the amino acid substitution p.Met133Ile. This variant has been reported in individuals with autosomal recessive Charcot-Marie-Tooth; however, many of these reported cases are from large cohorts with limited clinical details or variant phase analysis (CMT, Supplemental Table 2, Antoniadi et al. 2015. PubMed ID: 26392352; Supplementary Table 2, DiVincenzo et al. 2014. PubMed ID: 25614874; Supplementary Table 2, Volodarsky et al. 2020. PubMed ID: 32376792; Supplemental Table 2, Scriba et al. 2025. PubMed ID: 40571342). This variant is reported in 0.024% of alleles in individuals of European (non-Finnish) descent in gnomAD. This variant has conflicting classifications listed in ClinVar ranging from uncertain to pathogenic (Variation ID: 245607). Although we suspect that this variant may be pathogenic for autosomal recessive GDAP1-related disorders, at this time, the clinical significance of this variant is uncertain due to the absence of conclusive functional and genetic evidence.

Labcorp Genetics (formerly Invitae), Labcorp
Classification: Pathogenic for Charcot-Marie-Tooth disease type 4A. Last evaluated: 2025-09-12. Review status: criteria provided, single submitter. Criteria: Invitae Variant Classification Sherloc (09022015). Collection method: clinical testing. Allele origin: germline.
Comment: This sequence change replaces methionine, which is neutral and non-polar, with isoleucine, which is neutral and non-polar, at codon 133 of the GDAP1 protein (p.Met133Ile). This variant is present in population databases (rs139808557, gnomAD 0.02%). This missense change has been observed in individual(s) with clinical features of autosomal recessive Charcot-Marie-Tooth disease (PMID: 26392352, 32376792; internal data). In at least one individual the data is consistent with being in trans (on the opposite chromosome) from a pathogenic variant. It has also been observed to segregate with disease in related individuals. ClinVar contains an entry for this variant (Variation ID: 245607). Invitae Evidence Modeling of protein sequence and biophysical properties (such as structural, functional, and spatial information, amino acid conservation, physicochemical variation, residue mobility, and thermodynamic stability) indicates that this missense variant is not expected to disrupt GDAP1 protein function with a negative predictive value of 80%. For these reasons, this variant has been classified as Pathogenic.

Women's Health and Genetics/Laboratory Corporation of America, LabCorp
Classification: Likely pathogenic for Charcot-Marie-Tooth disease type 4A. Last evaluated: 2025-05-21. Review status: criteria provided, single submitter. Criteria: LabCorp Variant Classification Summary - May 2015. Collection method: clinical testing. Allele origin: germline.
Comment: Variant summary: GDAP1 c.399G>A (p.Met133Ile) results in a conservative amino acid change in the encoded protein sequence. Algorithms developed to predict the effect of missense changes on protein structure and function are either unavailable or do not agree on the potential impact of this missense change. The variant allele was found at a frequency of 0.00011 in 251478 control chromosomes. This frequency is not significantly higher than estimated for a pathogenic variant in GDAP1 causing Charcot-Marie-Tooth disease type 4A, allowing no conclusion about variant significance. c.399G>A has been observed in individual(s) affected with autosomal recessive Charcot-Marie-Tooth disease (e.g. Antoniadi_2015, internal data) and in an individual with an unspecified genotype from a Charcot-Marie-Tooth disease cohort (Volodarsky_2021). These data indicate that the variant is likely to be associated with disease. To our knowledge, no experimental evidence demonstrating an impact on protein function has been reported. The following publications have been ascertained in the context of this evaluation (PMID: 26392352, 32376792). ClinVar contains an entry for this variant (Variation ID: 245607). To our knowledge, this variant has not been reported in individuals with Charcot-Marie-Tooth disease shown to have an autosomal dominant pattern of inheritance. Based on the evidence outlined above, the variant was classified as likely pathogenic for autosomal recessive Charcot-Marie-Tooth disease.

GeneDx
Classification: Uncertain significance. Last evaluated: 2024-07-24. Review status: criteria provided, single submitter. Criteria: GeneDx Variant Classification Process June 2021. Collection method: clinical testing. Allele origin: germline. Affected: yes.
Comment: In silico analysis indicates that this missense variant does not alter protein structure/function; This variant is associated with the following publications: (PMID: 14702039, 26392352, 32376792)

Fulgent Genetics
Classification: Likely pathogenic for Charcot-Marie-Tooth disease type 4A; Charcot-Marie-Tooth disease, axonal, with vocal cord paresis, autosomal recessive; Charcot-Marie-Tooth disease axonal type 2K; Charcot-Marie-Tooth disease recessive intermediate A. Last evaluated: 2024-01-17. Review status: criteria provided, single submitter. Criteria: ACMG Guidelines, 2015. Collection method: clinical testing. Allele origin: germline.

Mayo Clinic Laboratories, Mayo Clinic
Classification: Uncertain significance. Last evaluated: 2023-11-03. Review status: criteria provided, single submitter. Criteria: ACMG Guidelines, 2015. Collection method: clinical testing. Allele origin: germline. Observed: 2 variant alleles.

Ambry Genetics
Classification: Likely pathogenic for Inborn genetic diseases. Last evaluated: 2023-10-24. Review status: criteria provided, single submitter. Criteria: Ambry Variant Classification Scheme 2023. Collection method: clinical testing. Allele origin: germline.
Comment: The c.399G>A (p.M133I) alteration is located in exon 3 (coding exon 3) of the GDAP1 gene. This alteration results from a G to A substitution at nucleotide position 399, causing the methionine (M) at amino acid position 133 to be replaced by an isoleucine (I)._x000D_ _x000D_ Based on the available evidence, the c.399G>A (p.M133I) alteration alteration is classified as likely pathogenic for autosomal recessive GDAP1-related Charcot-Marie-Tooth disease; however, it is unlikely to be causative of autosomal dominant GDAP1-related Charcot-Marie-Tooth disease, type 2. Based on data from gnomAD, the A allele has an overall frequency of 0.011% (31/282872) total alleles studied. The highest observed frequency was 0.024% (31/129184) of European (non-Finnish) alleles. This alteration was detected in conjunction with another alteration in GDAP1, in multiple individuals with features consistent with GDAP1-related Charcot-Marie-Tooth disease (external communication). This amino acid position is highly conserved in available vertebrate species. This alteration is predicted to be deleterious by in silico analysis. Based on the available evidence, this alteration is classified as likely pathogenic.

Athena Diagnostics
Classification: Uncertain significance. Last evaluated: 2021-07-02. Review status: criteria provided, single submitter. Criteria: Athena Diagnostics Criteria. Collection method: clinical testing. Allele origin: unknown.

Literature cited by the submitters: PubMed 26392352 (cited by 4 submitters); PubMed 32376792 (cited by 3 submitters); PubMed 25614874 (cited by Mayo Clinic Laboratories, Mayo Clinic).